The following is an entry in ClinVar:

NM_001166114.2(PNPLA6):c.1673C>A (p.Ala558Glu)

Gene: PNPLA6 (patatin like domain 6, lysophospholipase; plus strand). Cytogenetic location: 19p13.2.
Variant type: single nucleotide variant.
Coding change: c.1673C>A on transcript NM_001166114.2 (MANE Select); coding-DNA position 1673, C replaced by A.
Protein change: p.Ala558Glu; replaces alanine 558 with glutamic acid.
Molecular consequence: missense variant.
Genome position (GRCh38, 1-based): chr19:7,549,971, C>A. VCF-style: chr19-7549971-C-A. GRCh37 (hg19) VCF-style: chr19-7614857-C-A.
Other names: c.1700C>A, p.Ala567Glu (NM_001166111.2); c.1478C>A, p.Ala493Glu (NM_001166112.2); c.1556C>A, p.Ala519Glu (NM_001166113.1, NM_006702.5); short protein forms A493E, A519E, A558E, A567E.
Identifiers: ClinVar variation 1306671 (VCV001306671.3), dbSNP rs1473620669, ClinGen allele CA403119444.
Genomic context (GRCh38, chr19:7,549,971, plus strand): 5'-TGAGCCTGCACTTCGTGCTCTGGGGCTGCCTGCACGTGTACCAGCGCATGATCGACAAGG[C>A]GGAGGACGTGTGCCTGTTCGTAGCGCAGCCCGGGGAACTGGTGGGGCAGCTGGCGGTGCT-3'
Protein context (NP_001159586.1, residues 548-568): LHVYQRMIDK[Ala558Glu]EDVCLFVAQP

ClinVar aggregate classification (germline): Uncertain significance. Review status: criteria provided, multiple submitters, no conflicts (2 of 4 stars). 2 submissions from 2 submitters: Uncertain significance (2). Last evaluated 2022-09-01.

Conditions:
Hereditary spastic paraplegia 39 (SPG39). Also called: SPASTIC PARAPLEGIA 39, AUTOSOMAL RECESSIVE; Spastic Paraplegia Type 39 (SPG39). Identifiers: Orphanet 139480, MedGen C2677586, MONDO:0012787, OMIM 612020.

Allele frequency attached by ClinVar (database versions not stated): TOPMed below 0.00001; gnomAD exomes 0.00001 and below 0.00001.
gnomAD v4.1: 5 of 1,613,920 alleles (0.00031%); highest among the groups gnomAD compares: East Asian, 0.0089%; no homozygotes.

Submissions (2):

Labcorp Genetics (formerly Invitae), Labcorp
Classification: Uncertain significance for Hereditary spastic paraplegia 39. Last evaluated: 2022-09-01. Review status: criteria provided, single submitter. Criteria: Invitae Variant Classification Sherloc (09022015). Collection method: clinical testing. Allele origin: germline.
Comment: This sequence change replaces alanine, which is neutral and non-polar, with glutamic acid, which is acidic and polar, at codon 519 of the PNPLA6 protein (p.Ala519Glu). This variant is present in population databases (no rsID available, gnomAD 0.006%). This variant has not been reported in the literature in individuals affected with PNPLA6-related conditions. ClinVar contains an entry for this variant (Variation ID: 1306671). Algorithms developed to predict the effect of missense changes on protein structure and function output the following: SIFT: "Tolerated"; PolyPhen-2: "Benign"; Align-GVGD: "Class C0". The glutamic acid amino acid residue is found in multiple mammalian species, which suggests that this missense change does not adversely affect protein function. In summary, the available evidence is currently insufficient to determine the role of this variant in disease. Therefore, it has been classified as a Variant of Uncertain Significance.

GeneDx
Classification: Uncertain significance. Last evaluated: 2019-07-03. Review status: criteria provided, single submitter. Criteria: GeneDx Variant Classification Process June 2021. Collection method: clinical testing. Allele origin: germline. Affected: yes.
Comment: Has not been previously published as pathogenic or benign to our knowledge; Not observed at a significant frequency in large population cohorts (Lek et al., 2016); In silico analysis, which includes protein predictors and evolutionary conservation, supports that this variant does not alter protein structure/function